The following is an entry in ClinVar:

NM_001199107.2(TBC1D24):c.983+15_983+16del

Gene: TBC1D24 (TBC1 domain family member 24; plus strand). Cytogenetic location: 16p13.3.
Variant type: Deletion.
Coding change: c.983+15_983+16del on transcript NM_001199107.2 (MANE Select); bases 15 to 16 of the intron after coding-DNA position 983, 2 bases deleted (GT; older notation c.983+15_983+16delGT).
Molecular consequence: intron variant.
Genome position (GRCh38, 1-based): chr16:2,497,742-2,497,743, GT deleted; deleting any 2 consecutive bases within chr16:2,497,741-2,497,743 gives the same sequence; the c. name uses the placement nearest the transcript's 3' end. VCF-style (leftmost placement, unchanged base first): chr16-2497740-CTG-C. GRCh37 (hg19) VCF-style: chr16-2547741-CTG-C.
Other names: c.966-496_966-495del (NM_020705.3); c.983+15_983+16delGT (NM_001199107.1).
Identifiers: ClinVar variation 420741 (VCV000420741.9), dbSNP rs1064794673, ClinGen allele CA16620170.

ClinVar aggregate classification (germline): Likely benign. Review status: criteria provided, multiple submitters, no conflicts (2 of 4 stars). 2 submissions from 2 submitters: Likely benign (2). Last evaluated 2025-12-08.

Conditions:
Developmental and epileptic encephalopathy, 1 (DEE1). Also called: X-linked infantile spasms; West's syndrome; Tonic spasms with clustering, arrest of psychomotor development and hypsarrhythmia on EEG; X-Linked Infantile Spasm Syndrome; OHTAHARA SYNDROME, X-LINKED; Epileptic encephalopathy, early infantile, 1. Identifiers: MedGen C3463992, MONDO:0010632, OMIM 308350. Disease mechanism: loss of function.
Autosomal dominant nonsyndromic hearing loss 65. Also called: Deafness, autosomal dominant 65; TBC1D24-Related Autosomal Dominant Nonsyndromic Hearing Loss (DFNA). Identifiers: Orphanet 90635, MedGen C3892048, MONDO:0014470, OMIM 616044.

Submissions (2):

Labcorp Genetics (formerly Invitae), Labcorp
Classification: Likely benign for Developmental and epileptic encephalopathy, 1; Autosomal dominant nonsyndromic hearing loss 65. Last evaluated: 2025-12-08. Review status: criteria provided, single submitter. Criteria: Invitae Variant Classification Sherloc (09022015). Collection method: clinical testing. Allele origin: germline.

GeneDx
Classification: Likely benign. Last evaluated: 2016-03-22. Review status: criteria provided, single submitter. Criteria: GeneDx Variant Classification (06012015). Collection method: clinical testing. Allele origin: germline. Affected: yes.
Comment: This variant is considered likely benign or benign based on one or more of the following criteria: it is a conservative change, it occurs at a poorly conserved position in the protein, it is predicted to be benign by multiple in silico algorithms, and/or has population frequency not consistent with disease.